The following is an entry in ClinVar:

ClinVar aggregate classification (germline): Benign (1 of 4 stars; one submission).

Conditions:
Familial cancer of breast. Also called: BREAST CANCER, FAMILIAL; Hereditary breast cancer; hereditary breast carcinoma. Identifiers: Orphanet 227535, MedGen C0346153, MONDO:0016419, OMIM 114480. Disease mechanism: loss of function.

gnomAD v4.1: 899,884 of 1,362,006 alleles (66%); highest among the groups gnomAD compares: East Asian, 89%; 300,210 homozygotes.

Submission:

Genomic Medicine Laboratory, Hospital de Clinicas de Porto Alegre
Classification: Benign for Familial cancer of breast. Last evaluated: 2026-08-07. Review status: criteria provided, single submitter. Criteria: ACGS UK Practice Guidelines For Variant Classification V12 2024. Collection method: research. Allele origin: germline. Affected: yes. Observed: 25 variant alleles.
Comment: BA1: Allele frequency is above 5%

NM_199420.4(POLQ):c.1816+53T>G

Gene: POLQ (DNA polymerase theta; minus strand). Cytogenetic location: 3q13.33.
Variant type: single nucleotide variant.
Coding change: c.1816+53T>G on transcript NM_199420.4 (MANE Select); 53 bases into the intron after coding-DNA position 1816, T replaced by G.
Molecular consequence: intron variant.
Genome position (GRCh38, 1-based): chr3:121,509,986, A>C on the plus strand (T>G on the coding strand, the complement: POLQ is on the minus strand). VCF-style: chr3-121509986-A-C. GRCh37 (hg19) VCF-style: chr3-121228833-A-C.
Identifiers: ClinVar variation 4888227 (VCV004888227.1), dbSNP rs3732406.